The following is an entry in ClinVar:

ClinVar aggregate classification (germline): Likely pathogenic (1 of 4 stars; one submission).

Conditions:
TTC8-related disorder. Also called: TTC8-related condition.

Submission:

PreventionGenetics, part of Exact Sciences
Classification: Likely pathogenic for TTC8-related condition. Last evaluated: 2025-01-04. Review status: criteria provided, single submitter. Criteria: ACMG Guidelines, 2015. Collection method: clinical testing. Allele origin: germline.
Comment: The TTC8 c.476_479delTCAG variant is predicted to result in a frameshift and premature protein termination (p.Val159Glyfs*16). To our knowledge, this variant has not been reported in the literature or in a large population database (gnomAD), indicating this variant is rare. Frameshift variants in TTC8 are expected to be pathogenic. This variant is interpreted as likely pathogenic.

NM_144596.4(TTC8):c.476_479del (p.Val159fs)

Gene: TTC8 (tetratricopeptide repeat domain 8; plus strand). Cytogenetic location: 14q31.3.
Variant type: Deletion.
Coding change: c.476_479del on transcript NM_144596.4 (MANE Select); coding-DNA positions 476 to 479, 4 bases deleted (TCAG; older notation c.476_479delTCAG).
Protein change: p.Val159fs; shifts the reading frame from valine 159.
Molecular consequence: frameshift variant. On other transcripts: 5 prime UTR variant (2), non-coding transcript variant (1).
Genome position (GRCh38, 1-based): chr14:88,841,183-88,841,186, TCAG deleted; deleting any 4 consecutive bases within chr14:88,841,182-88,841,186 gives the same sequence; the c. name uses the placement nearest the transcript's 3' end. VCF-style (leftmost placement, unchanged base first): chr14-88841181-TGTCA-T. GRCh37 (hg19) VCF-style: chr14-89307525-TGTCA-T.
Other names: c.446_449del, p.Val149fs (NM_001288781.1, NM_001366535.2, NM_001366536.2 and 2 more transcripts); c.-117_-114del (NM_001288782.1); c.-212_-209del (NM_001288783.1); short protein forms V149fs, V159fs.
Identifiers: ClinVar variation 5000422 (VCV005000422.1).